The following is an entry in ClinVar:

ClinVar aggregate classification (germline): Likely pathogenic (1 of 4 stars; one submission).

Submission:

Labcorp Genetics (formerly Invitae), Labcorp
Classification: Likely pathogenic. Last evaluated: 2020-07-28. Review status: criteria provided, single submitter. Criteria: Invitae Variant Classification Sherloc (09022015). Collection method: clinical testing. Allele origin: germline.
Comment: In summary, the currently available evidence indicates that the variant is pathogenic, but additional data are needed to prove that conclusively. Therefore, this variant has been classified as Likely Pathogenic. Donor and acceptor splice site variants typically lead to a loss of protein function (PMID: 16199547), and loss-of-function variants in ABCB11 are known to be pathogenic (PMID: 18395098, 20232290). Algorithms developed to predict the effect of sequence changes on RNA splicing suggest that this variant may disrupt the consensus splice site, but this prediction has not been confirmed by published transcriptional studies. This variant has not been reported in the literature in individuals with ABCB11-related conditions. This variant is not present in population databases (ExAC no frequency). This sequence change affects a donor splice site in intron 23 of the ABCB11 gene. It is expected to disrupt RNA splicing and likely results in an absent or disrupted protein product.

Literature cited by the submitters: PubMed 16199547; PubMed 18395098; PubMed 20232290.

NM_003742.4(ABCB11):c.3056+1G>A

Gene: ABCB11 (ATP binding cassette subfamily B member 11; minus strand). Cytogenetic location: 2q31.1.
Variant type: single nucleotide variant.
Coding change: c.3056+1G>A on transcript NM_003742.4 (MANE Select); the canonical splice donor site of the intron after coding-DNA position 3056, G replaced by A.
Molecular consequence: splice donor variant.
Genome position (GRCh38, 1-based): chr2:168,935,183, C>T on the plus strand (G>A on the coding strand, the complement: ABCB11 is on the minus strand). VCF-style: chr2-168935183-C-T. GRCh37 (hg19) VCF-style: chr2-169791693-C-T.
Identifiers: ClinVar variation 1066999 (VCV001066999.7), dbSNP rs1243952083, ClinGen allele CA349123156.